The following is an entry in ClinVar:

NM_173651.4(FSIP2):c.2689del (p.Ser897fs)

Genes: FSIP2 (fibrous sheath interacting protein 2; plus strand), FSIP2-AS1 (FSIP2 antisense RNA 1; minus strand). Cytogenetic location: 2q32.1.
Variant type: Deletion.
Coding change: c.2689del on transcript NM_173651.4 (MANE Select); coding-DNA position 2689, one base deleted (T; older notation c.2689delT).
Protein change: p.Ser897fs; shifts the reading frame from serine 897.
Molecular consequence: frameshift variant.
Genome position (GRCh38, 1-based): chr2:185,789,825, T deleted; the last of 6 consecutive T bases (chr2:185,789,820-185,789,825); deleting any one gives the same sequence. VCF-style (leftmost placement, unchanged base first): chr2-185789819-AT-A. GRCh37 (hg19) VCF-style: chr2-186654546-AT-A.
Other names: short protein forms S897fs.
Identifiers: ClinVar variation 3239649 (VCV003239649.2).

ClinVar aggregate classification (germline): Pathogenic (1 of 4 stars; one submission).

Conditions:
Oligospermia. Identifiers: MedGen C0028960, MeSH D009845, MONDO:0001913.
Reduced sperm motility. Also called: asthenozoospermia. Identifiers: MedGen C4082176, HP:0012207.
Abnormal sperm morphology. Also called: Teratozoospermia. Identifiers: MedGen C0403824, HP:0012864.

Submission:

Huzhibin Lab, Nanjing Medical University
Classification: Pathogenic for Oligozoospermia; Reduced sperm motility; Abnormal sperm morphology. Review status: criteria provided, single submitter. Criteria: ACMG Guidelines, 2015. Collection method: research. Allele origin: germline. Inheritance: Autosomal recessive inheritance. Affected: yes. Observed: 1 variant allele, 1 homozygote.
Comment: Criteria:PVS1,PS4,PM4 This gene is a known causative gene for teratozoospermia, and male knockout mice of this gene have been shown to have a teratospermic phenotype and be infertile in males. Here, we find a rare homozygous variant in this gene that was not found in the control population, and this variant can lead to a change in the length of the protein.

Literature cited by the submitters: PubMed 34125190.